The following is an entry in ClinVar:

NM_003476.5(CSRP3):c.532C>T (p.Pro178Ser)

Gene: CSRP3 (cysteine and glycine rich protein 3; minus strand). Cytogenetic location: 11p15.1.
Variant type: single nucleotide variant.
Coding change: c.532C>T on transcript NM_003476.5 (MANE Select); coding-DNA position 532, C replaced by T.
Protein change: p.Pro178Ser; replaces proline 178 with serine.
Molecular consequence: missense variant. On other transcripts: synonymous variant (1).
Genome position (GRCh38, 1-based): chr11:19,182,723, G>A on the plus strand (C>T on the coding strand, the complement: CSRP3 is on the minus strand). VCF-style: chr11-19182723-G-A. GRCh37 (hg19) VCF-style: chr11-19204270-G-A.
Other names: c.532C>T (NM_003476.3); c.363C>T, p.Ala121= (NM_001369404.1); short protein forms P178S.
Identifiers: ClinVar variation 543039 (VCV000543039.9), dbSNP rs749002955, ClinGen allele CA5916510.

ClinVar aggregate classification (germline): Uncertain significance. Review status: criteria provided, multiple submitters, no conflicts (2 of 4 stars). 2 submissions from 2 submitters: Uncertain significance (2). Last evaluated 2025-01-06.

Conditions:
Cardiovascular phenotype. Identifiers: MedGen CN230736.
Hypertrophic cardiomyopathy 12. Identifiers: MedGen C2677491, MONDO:0012804, OMIM 612124.
Dilated cardiomyopathy 1M (CMD1M). Identifiers: Orphanet 154, MedGen C1843808, MONDO:0011840, OMIM 607482.

Allele frequency attached by ClinVar (database versions not stated): gnomAD 0.00001; TOPMed 0.00001.
gnomAD v4.1: 12 of 1,613,888 alleles (0.00074%); highest among the groups gnomAD compares: African/African-American, 0.0013%; no homozygotes.

Submissions (2):

Labcorp Genetics (formerly Invitae), Labcorp
Classification: Uncertain significance for Hypertrophic cardiomyopathy 12; Dilated cardiomyopathy 1M. Last evaluated: 2025-01-06. Review status: criteria provided, single submitter. Criteria: Invitae Variant Classification Sherloc (09022015). Collection method: clinical testing. Allele origin: germline.
Comment: This sequence change replaces proline, which is neutral and non-polar, with serine, which is neutral and polar, at codon 178 of the CSRP3 protein (p.Pro178Ser). This variant is present in population databases (rs749002955, gnomAD 0.0009%). This variant has not been reported in the literature in individuals affected with CSRP3-related conditions. ClinVar contains an entry for this variant (Variation ID: 543039). An algorithm developed to predict the effect of missense changes on protein structure and function (PolyPhen-2) suggests that this variant is likely to be disruptive. In summary, the available evidence is currently insufficient to determine the role of this variant in disease. Therefore, it has been classified as a Variant of Uncertain Significance.

Ambry Genetics
Classification: Uncertain significance for Cardiovascular phenotype. Last evaluated: 2023-12-04. Review status: criteria provided, single submitter. Criteria: Ambry Variant Classification Scheme 2023. Collection method: clinical testing. Allele origin: germline.
Comment: The p.P178S variant (also known as c.532C>T), located in coding exon 5 of the CSRP3 gene, results from a C to T substitution at nucleotide position 532. The proline at codon 178 is replaced by serine, an amino acid with similar properties. This variant has been detected in a hypertrophic cardiomyopathy cohort; however, details were limited (Lopes LR. Heart . 2015 Feb;101(4):294-301. This amino acid position is highly conserved in available vertebrate species. In addition, this alteration is predicted to be deleterious by in silico analysis. Since supporting evidence is limited at this time, the clinical significance of this alteration remains unclear.